The following is an entry in ClinVar:

ClinVar aggregate classification (germline): Uncertain significance. Review status: criteria provided, multiple submitters, no conflicts (2 of 4 stars). 2 submissions from 2 submitters: Uncertain significance (2). Last evaluated 2022-11-09.

Conditions:
Inborn genetic diseases. Identifiers: MedGen C0950123, MeSH D030342.

Allele frequency attached by ClinVar (database versions not stated): gnomAD 0.00002; gnomAD exomes 0.00002 and 0.00004; ExAC 0.00004.
gnomAD v4.1: 28 of 1,589,730 alleles (0.0018%); highest among the groups gnomAD compares: Admixed American, 0.0036%; no homozygotes.

Submissions (2):

Ambry Genetics
Classification: Uncertain significance for Inborn genetic diseases. Last evaluated: 2022-11-09. Review status: criteria provided, single submitter. Criteria: Ambry Variant Classification Scheme 2023. Collection method: clinical testing. Allele origin: germline.

Labcorp Genetics (formerly Invitae), Labcorp
Classification: Uncertain significance. Last evaluated: 2022-02-23. Review status: criteria provided, single submitter. Criteria: Invitae Variant Classification Sherloc (09022015). Collection method: clinical testing. Allele origin: germline.
Comment: This sequence change replaces proline, which is neutral and non-polar, with leucine, which is neutral and non-polar, at codon 76 of the FAM161A protein (p.Pro76Leu). This variant is present in population databases (rs759239031, gnomAD 0.01%). This variant has not been reported in the literature in individuals affected with FAM161A-related conditions. Algorithms developed to predict the effect of missense changes on protein structure and function (SIFT, PolyPhen-2, Align-GVGD) all suggest that this variant is likely to be tolerated. In summary, the available evidence is currently insufficient to determine the role of this variant in disease. Therefore, it has been classified as a Variant of Uncertain Significance.

NM_001201543.2(FAM161A):c.227C>T (p.Pro76Leu)

Gene: FAM161A (FAM161 centrosomal protein A; minus strand). Cytogenetic location: 2p15.
Variant type: single nucleotide variant.
Coding change: c.227C>T on transcript NM_001201543.2 (MANE Select); coding-DNA position 227, C replaced by T.
Protein change: p.Pro76Leu; replaces proline 76 with leucine.
Molecular consequence: missense variant. On other transcripts: non-coding transcript variant (1).
Genome position (GRCh38, 1-based): chr2:61,842,317, G>A on the plus strand (C>T on the coding strand, the complement: FAM161A is on the minus strand). VCF-style: chr2-61842317-G-A. GRCh37 (hg19) VCF-style: chr2-62069452-G-A.
Other names: c.227C>T, p.Pro76Leu (NM_032180.3); c.227C>T (NM_001201543.1); short protein forms P76L.
Identifiers: ClinVar variation 1398396 (VCV001398396.6), dbSNP rs759239031, ClinGen allele CA1679400.
Genomic context (GRCh38, chr2:61,842,317, plus strand): 5'-AAATACTCCTCATTAGAGTGGTGAATATCAGGAAAGTTCACAAAGTCCTCATAGCTTATC[G>A]GTGCATGTTCATCCACCCCAGAAAAGCTGGTGTTCAAATCAGCCTGGTGGGGAGAAAACA-3'
Protein context (NP_001188472.1, residues 66-86): TSFSGVDEHA[Pro76Leu]ISYEDFVNFP